The following is an entry in ClinVar:

NM_000383.4(AIRE):c.1412del (p.Arg471fs)

Gene: AIRE (autoimmune regulator; plus strand). Cytogenetic location: 21q22.3.
Variant type: Deletion.
Coding change: c.1412del on transcript NM_000383.4 (MANE Select); coding-DNA position 1412, one base deleted (G; older notation c.1412delG).
Protein change: p.Arg471fs; shifts the reading frame from arginine 471.
Molecular consequence: frameshift variant.
Genome position (GRCh38, 1-based): chr21:44,294,412, G deleted. VCF-style (leftmost placement, unchanged base first): chr21-44294411-CG-C. GRCh37 (hg19) VCF-style: chr21-45714294-CG-C.
Other names: short protein forms R471fs.
Identifiers: ClinVar variation 2011731 (VCV002011731.4), dbSNP rs2531842449, ClinGen allele CA2580098988.

ClinVar aggregate classification (germline): Pathogenic (1 of 4 stars; one submission).

Conditions:
Polyglandular autoimmune syndrome, type 1 (APS1). Also called: PGA I; Autoimmune polyendocrine syndrome type 1; Autoimmune polyendocrinopathy syndrome, type I; AUTOIMMUNE POLYENDOCRINE SYNDROME, TYPE I, WITH OR WITHOUT REVERSIBLE METAPHYSEAL DYSPLASIA; Whitaker syndrome; Autoimmune polyendocrinopathy syndrome , type I, with or without reversible metaphyseal dysplasia. Identifiers: Orphanet 3453, MedGen C0085859, MONDO:0009411, OMIM 240300.

Submission:

Labcorp Genetics (formerly Invitae), Labcorp
Classification: Pathogenic for Polyglandular autoimmune syndrome, type 1. Last evaluated: 2022-06-28. Review status: criteria provided, single submitter. Criteria: Invitae Variant Classification Sherloc (09022015). Collection method: clinical testing. Allele origin: germline.
Comment: For these reasons, this variant has been classified as Pathogenic. This variant has not been reported in the literature in individuals affected with AIRE-related conditions. This variant is not present in population databases (gnomAD no frequency). This sequence change creates a premature translational stop signal (p.Arg471Profs*9) in the AIRE gene. It is expected to result in an absent or disrupted protein product. Loss-of-function variants in AIRE are known to be pathogenic (PMID: 11524731, 26141571).

Literature cited by the submitters: PubMed 11524731; PubMed 26141571.